The following is an entry in ClinVar:

NM_002029.4(FPR1):c.1015A>G (p.Thr339Ala)

Gene: FPR1 (formyl peptide receptor 1; minus strand). Cytogenetic location: 19q13.41.
Variant type: single nucleotide variant.
Coding change: c.1015A>G on transcript NM_002029.4 (MANE Select); coding-DNA position 1015, A replaced by G.
Protein change: p.Thr339Ala; replaces threonine 339 with alanine.
Molecular consequence: missense variant.
Genome position (GRCh38, 1-based): chr19:51,745,980, T>C on the plus strand (A>G on the coding strand, the complement: FPR1 is on the minus strand). VCF-style: chr19-51745980-T-C. GRCh37 (hg19) VCF-style: chr19-52249233-T-C.
Other names: c.1015A>G, p.Thr339Ala (NM_001193306.2); short protein forms T339A.
Identifiers: ClinVar variation 2842265 (VCV002842265.3), dbSNP rs2513919069, ClinGen allele CA407114860.
Genomic context (GRCh38, chr19:51,745,980, plus strand): 5'-AAAGTGTCCCCCAGCTCCCTCCTCACTTTGCCTGTAACTCCACCTCTGCAGAAGGTAAAG[T>C]AGAATTGGTAGCTGTGTCACTGGTTTGGGTTGAGTCCTCGGTCAGGGCCCTCTCCAGACT-3'
Protein context (NP_002020.1, residues 329-349): TQTSDTATNS[Thr339Ala]LPSAEVELQA

ClinVar aggregate classification (germline): Uncertain significance (1 of 4 stars; one submission).

Conditions:
Gingival disorder. Also called: Gingival disease. Identifiers: MedGen C0017563, MONDO:0002021.

Submission:

Labcorp Genetics (formerly Invitae), Labcorp
Classification: Uncertain significance for Gingival disorder. Last evaluated: 2024-08-05. Review status: criteria provided, single submitter. Criteria: Invitae Variant Classification Sherloc (09022015). Collection method: clinical testing. Allele origin: germline.
Comment: This sequence change replaces threonine, which is neutral and polar, with alanine, which is neutral and non-polar, at codon 339 of the FPR1 protein (p.Thr339Ala). This variant is not present in population databases (gnomAD no frequency). This variant has not been reported in the literature in individuals affected with FPR1-related conditions. An algorithm developed to predict the effect of missense changes on protein structure and function outputs the following: PolyPhen-2: "Benign". The alanine amino acid residue is found in multiple mammalian species, which suggests that this missense change does not adversely affect protein function. In summary, the available evidence is currently insufficient to determine the role of this variant in disease. Therefore, it has been classified as a Variant of Uncertain Significance.